The following is an entry in ClinVar:

ClinVar aggregate classification (germline): Pathogenic (1 of 4 stars; one submission).

Conditions:
Inborn genetic diseases. Identifiers: MedGen C0950123, MeSH D030342.

Submission:

Ambry Genetics
Classification: Pathogenic for Inborn genetic diseases. Last evaluated: 2022-05-25. Review status: criteria provided, single submitter. Criteria: Ambry Variant Classification Scheme 2023. Collection method: clinical testing. Allele origin: germline.
Comment: The c.601+1G>A intronic variant results from a G to A substitution one nucleotide after coding exon 3 of the TFAP2B gene. Alterations that disrupt the canonical splice site are expected to cause aberrant splicing, resulting in an abnormal protein or a transcript that is subject to nonsense-mediated mRNA decay. This variant was not reported in population-based cohorts in the Genome Aggregation Database (gnomAD). Other alterations impacting the same donor site (c.601+2T>A and c.601+5G>A) have been reported in individuals with clinical features consistent with Char syndrome (Mani, 2005; Timberlake, 2019). This nucleotide position is highly conserved in available vertebrate species. In silico splice site analysis predicts that this alteration will weaken the native splice donor site and will result in the creation or strengthening of a novel splice donor site. Based on the available evidence, this alteration is classified as pathogenic.

Literature cited by the submitters: PubMed 15684060; PubMed 31292255.

NM_003221.4(TFAP2B):c.601+1G>A

Gene: TFAP2B (transcription factor AP-2 beta; plus strand). Cytogenetic location: 6p12.3.
Variant type: single nucleotide variant.
Coding change: c.601+1G>A on transcript NM_003221.4 (MANE Select); the canonical splice donor site of the intron after coding-DNA position 601, G replaced by A.
Molecular consequence: splice donor variant.
Genome position (GRCh38, 1-based): chr6:50,828,680, G>A. VCF-style: chr6-50828680-G-A. GRCh37 (hg19) VCF-style: chr6-50796393-G-A.
Identifiers: ClinVar variation 2284052 (VCV002284052.2), dbSNP rs2533123879, ClinGen allele CA364413981.